The following is an entry in ClinVar:

NM_006206.6(PDGFRA):c.722A>G (p.Glu241Gly)

Gene: PDGFRA (platelet derived growth factor receptor alpha; plus strand). Cytogenetic location: 4q12.
Variant type: single nucleotide variant.
Coding change: c.722A>G on transcript NM_006206.6 (MANE Select); coding-DNA position 722, A replaced by G.
Protein change: p.Glu241Gly; replaces glutamic acid 241 with glycine.
Molecular consequence: missense variant.
Genome position (GRCh38, 1-based): chr4:54,265,012, A>G. VCF-style: chr4-54265012-A-G. GRCh37 (hg19) VCF-style: chr4-55131179-A-G.
Other names: c.722A>G, p.Glu241Gly (NM_001347827.2, NM_001347829.2); c.797A>G, p.Glu266Gly (NM_001347828.2); c.761A>G, p.Glu254Gly (NM_001347830.2); short protein forms E241G, E266G, E254G.
Identifiers: ClinVar variation 1388938 (VCV001388938.8), dbSNP rs2110258402, ClinGen allele CA356890952.

ClinVar aggregate classification (germline): Uncertain significance (1 of 4 stars; one submission).

Conditions:
Gastrointestinal stromal tumor. Also called: Gastrointestinal stroma tumor; Gastrointestinal stromal tumor, somatic. Identifiers: Orphanet 44890, MedGen C0238198, MeSH D046152, MONDO:0011719, OMIM 606764, HP:0100723.

Submission:

Labcorp Genetics (formerly Invitae), Labcorp
Classification: Uncertain significance for Gastrointestinal stromal tumor. Last evaluated: 2024-05-26. Review status: criteria provided, single submitter. Criteria: Invitae Variant Classification Sherloc (09022015). Collection method: clinical testing. Allele origin: germline.
Comment: This sequence change replaces glutamic acid, which is acidic and polar, with glycine, which is neutral and non-polar, at codon 241 of the PDGFRA protein (p.Glu241Gly). This variant is not present in population databases (gnomAD no frequency). This variant has not been reported in the literature in individuals affected with PDGFRA-related conditions. ClinVar contains an entry for this variant (Variation ID: 1388938). Advanced modeling of protein sequence and biophysical properties (such as structural, functional, and spatial information, amino acid conservation, physicochemical variation, residue mobility, and thermodynamic stability) performed at Invitae indicates that this missense variant is not expected to disrupt PDGFRA protein function with a negative predictive value of 80%. In summary, the available evidence is currently insufficient to determine the role of this variant in disease. Therefore, it has been classified as a Variant of Uncertain Significance.